The following is an entry in ClinVar:

ClinVar aggregate classification (germline): Uncertain significance (1 of 4 stars; one submission).

Submission:

GeneDx
Classification: Uncertain significance. Last evaluated: 2023-02-02. Review status: criteria provided, single submitter. Criteria: GeneDx Variant Classification Process June 2021. Collection method: clinical testing. Allele origin: germline. Affected: yes.
Comment: Not observed at significant frequency in large population cohorts (gnomAD); In silico analysis supports that this missense variant has a deleterious effect on protein structure/function; Has not been previously published as pathogenic or benign to our knowledge

NM_001271.4(CHD2):c.1546A>G (p.Thr516Ala)

Gene: CHD2 (chromodomain helicase DNA binding protein 2; plus strand). Cytogenetic location: 15q26.1.
Variant type: single nucleotide variant.
Coding change: c.1546A>G on transcript NM_001271.4 (MANE Select); coding-DNA position 1546, A replaced by G.
Protein change: p.Thr516Ala; replaces threonine 516 with alanine.
Molecular consequence: missense variant.
Genome position (GRCh38, 1-based): chr15:92,953,400, A>G. VCF-style: chr15-92953400-A-G. GRCh37 (hg19) VCF-style: chr15-93496630-A-G.
Other names: short protein forms T516A.
Identifiers: ClinVar variation 2575036 (VCV002575036.1), dbSNP rs2505480097, ClinGen allele CA393904847.